The following is an entry in ClinVar:

ClinVar aggregate classification (germline): Uncertain significance (1 of 4 stars; one submission).

Conditions:
Familial cancer of breast. Also called: hereditary breast carcinoma; Hereditary breast cancer; BREAST CANCER, FAMILIAL. Identifiers: Orphanet 227535, MedGen C0346153, MONDO:0016419, OMIM 114480. Disease mechanism: loss of function.

Submission:

Labcorp Genetics (formerly Invitae), Labcorp
Classification: Uncertain significance for Familial cancer of breast. Last evaluated: 2023-10-23. Review status: criteria provided, single submitter. Criteria: Invitae Variant Classification Sherloc (09022015). Collection method: clinical testing. Allele origin: germline.
Comment: This sequence change replaces lysine, which is basic and polar, with asparagine, which is neutral and polar, at codon 268 of the PALB2 protein (p.Lys268Asn). This variant is not present in population databases (gnomAD no frequency). This variant has not been reported in the literature in individuals affected with PALB2-related conditions. ClinVar contains an entry for this variant (Variation ID: 955686). Algorithms developed to predict the effect of missense changes on protein structure and function output the following: SIFT: "Not Available"; PolyPhen-2: "Benign"; Align-GVGD: "Not Available". The asparagine amino acid residue is found in multiple mammalian species, which suggests that this missense change does not adversely affect protein function. In summary, the available evidence is currently insufficient to determine the role of this variant in disease. Therefore, it has been classified as a Variant of Uncertain Significance.

NM_024675.4(PALB2):c.804A>C (p.Lys268Asn)

Gene: PALB2 (partner and localizer of BRCA2; minus strand). Cytogenetic location: 16p12.2.
Variant type: single nucleotide variant.
Coding change: c.804A>C on transcript NM_024675.4 (MANE Select); coding-DNA position 804, A replaced by C.
Protein change: p.Lys268Asn; replaces lysine 268 with asparagine.
Molecular consequence: missense variant.
Genome position (GRCh38, 1-based): chr16:23,635,742, T>G on the plus strand (A>C on the coding strand, the complement: PALB2 is on the minus strand). VCF-style: chr16-23635742-T-G. GRCh37 (hg19) VCF-style: chr16-23647063-T-G.
Other names: short protein forms K268N.
Identifiers: ClinVar variation 955686 (VCV000955686.10), dbSNP rs1967019844, ClinGen allele CA395136009.